The following is an entry in ClinVar:

NM_018060.4(IARS2):c.111G>C (p.Thr37=)

Genes: IARS2 (isoleucyl-tRNA synthetase 2, mitochondrial; plus strand), LOC129932529 (ATAC-STARR-seq lymphoblastoid silent region 1823; plus strand). Cytogenetic location: 1q41.
Variant type: single nucleotide variant.
Coding change: c.111G>C on transcript NM_018060.4 (MANE Select); coding-DNA position 111, G replaced by C.
Protein change: p.Thr37=; no amino-acid change (threonine 37 retained).
Molecular consequence: synonymous variant.
Genome position (GRCh38, 1-based): chr1:220,094,327, G>C. VCF-style: chr1-220094327-G-C. GRCh37 (hg19) VCF-style: chr1-220267669-G-C.
Other names: p.Thr37=.
Identifiers: ClinVar variation 381167 (VCV000381167.41), dbSNP rs116823205, ClinGen allele CA1401038.

ClinVar aggregate classification (germline): Benign. Review status: criteria provided, multiple submitters, no conflicts (2 of 4 stars). 6 submissions from 6 submitters: Benign (5). 1 of the submissions does not count toward it. Last evaluated 2026-09-01.

Conditions:
IARS2-related disorder. Also called: IARS2-related condition.

Allele frequency attached by ClinVar (database versions not stated): 1000 Genomes Project 0.00539; 1000 Genomes Project 30x 0.00562; gnomAD 0.00860 and 0.00910; TOPMed 0.00862; gnomAD exomes 0.00892 and 0.01038; ESP Exome Variant Server 0.00923; ExAC 0.00973.
gnomAD v4.1: 16,404 of 1,612,858 alleles (1%); highest among the groups gnomAD compares: Non-Finnish European, 1.2%; 111 homozygotes.

Submissions (6):

CeGaT Center for Human Genetics Tuebingen
Classification: Benign. Last evaluated: 2026-09-01. Review status: criteria provided, single submitter. Criteria: CeGaT Center For Human Genetics Tuebingen Variant Classification Criteria Version 2. Collection method: clinical testing. Allele origin: germline. Affected: yes. Observed: 34 variant alleles.
Comment: IARS2: BP4, BP7, BS1, BS2

Labcorp Genetics (formerly Invitae), Labcorp
Classification: Benign. Last evaluated: 2026-01-30. Review status: criteria provided, single submitter. Criteria: Invitae Variant Classification Sherloc (09022015). Collection method: clinical testing. Allele origin: germline.

Mayo Clinic Laboratories, Mayo Clinic
Classification: Benign. Last evaluated: 2023-02-02. Review status: criteria provided, single submitter. Criteria: ACMG Guidelines, 2015. Collection method: clinical testing. Allele origin: germline. Observed: 29 variant alleles.
Comment: BS1, BS2, BP4, BP7

GeneDx
Classification: Benign. Last evaluated: 2016-02-26. Review status: criteria provided, single submitter. Criteria: GeneDx Variant Classification (06012015). Collection method: clinical testing. Allele origin: germline. Affected: yes.
Comment: This variant is considered likely benign or benign based on one or more of the following criteria: it is a conservative change, it occurs at a poorly conserved position in the protein, it is predicted to be benign by multiple in silico algorithms, and/or has population frequency not consistent with disease.

Breakthrough Genomics
Classification: Benign. Review status: criteria provided, single submitter. Criteria: ACMG Guidelines, 2015. Collection method: not provided. Allele origin: germline. Inheritance: Autosomal recessive inheritance. Affected: yes.

PreventionGenetics, part of Exact Sciences
Classification: Benign for IARS2-related condition. Last evaluated: 2020-01-20. Review status: no assertion criteria provided. Collection method: clinical testing. Allele origin: germline. Not counted in ClinVar's aggregate classification.
Comment: This variant is classified as benign based on ACMG/AMP sequence variant interpretation guidelines (Richards et al. 2015 PMID: 25741868, with internal and published modifications).